The following is an entry in ClinVar:

NM_000512.5(GALNS):c.1186G>A (p.Gly396Arg)

Gene: GALNS (galactosamine (N-acetyl)-6-sulfatase; minus strand). Cytogenetic location: 16q24.3.
Variant type: single nucleotide variant.
Coding change: c.1186G>A on transcript NM_000512.5 (MANE Select); coding-DNA position 1186, G replaced by A.
Protein change: p.Gly396Arg; replaces glycine 396 with arginine.
Molecular consequence: missense variant.
Genome position (GRCh38, 1-based): chr16:88,824,823, C>T on the plus strand (G>A on the coding strand, the complement: GALNS is on the minus strand). VCF-style: chr16-88824823-C-T. GRCh37 (hg19) VCF-style: chr16-88891231-C-T.
Other names: c.631G>A, p.Gly211Arg (NM_001323543.2); c.1204G>A, p.Gly402Arg (NM_001323544.2); short protein forms G396R, G211R, G402R.
Identifiers: ClinVar variation 321194 (VCV000321194.14), dbSNP rs371459975, ClinGen allele CA8234779.

ClinVar aggregate classification (germline): Conflicting classifications of pathogenicity. Review status: criteria provided, conflicting classifications (1 of 4 stars). 5 submissions from 5 submitters: Uncertain significance (3); Likely benign (2). Last evaluated 2026-01-20.

Conditions:
Mucopolysaccharidosis, MPS-IV-A (MPS4A). Also called: Mucopolysaccharidosis type IV A; Mucopolysaccharidosis Type IVA; Morquio syndrome A, mild; MORQUIO SYNDROME A; MPS IVA; mucopolysaccharidosis type 4A. Identifiers: Orphanet 309297, Orphanet 582, MedGen C0086651, MONDO:0009659, OMIM 253000.

Allele frequency attached by ClinVar (database versions not stated): ESP Exome Variant Server 0.00008; gnomAD 0.00010 and 0.00006; gnomAD exomes 0.00013 and 0.00024; TOPMed 0.00013; ExAC 0.00022.
gnomAD v4.1: 216 of 1,613,244 alleles (0.013%); highest among the groups gnomAD compares: South Asian, 0.085%; no homozygotes.

Submissions (5):

Labcorp Genetics (formerly Invitae), Labcorp
Classification: Likely benign for Mucopolysaccharidosis, MPS-IV-A. Last evaluated: 2026-01-20. Review status: criteria provided, single submitter. Criteria: Invitae Variant Classification Sherloc (09022015). Collection method: clinical testing. Allele origin: germline.

Laboratory of Genetics, Children's Clinical University Hospital Latvia
Classification: Likely benign. Last evaluated: 2025-02-16. Review status: criteria provided, single submitter. Criteria: ACMG Guidelines, 2015. Collection method: clinical testing. Allele origin: germline. Affected: yes.

Genome-Nilou Lab
Classification: Uncertain significance for Mucopolysaccharidosis, MPS-IV-A. Last evaluated: 2021-11-07. Review status: criteria provided, single submitter. Criteria: ACMG Guidelines, 2015. Collection method: clinical testing. Allele origin: germline. Affected: no.

Illumina Laboratory Services, Illumina
Classification: Uncertain significance for Mucopolysaccharidosis, MPS-IV-A. Last evaluated: 2018-01-12. Review status: criteria provided, single submitter. Criteria: ICSL Variant Classification Criteria 13 December 2019. Collection method: clinical testing. Allele origin: germline.

GeneDx
Classification: Uncertain significance. Last evaluated: 2017-05-01. Review status: criteria provided, single submitter. Criteria: GeneDx Variant Classification (06012015). Collection method: clinical testing. Allele origin: germline. Affected: yes.
Comment: The G396R variant in the GALNS gene has been reported previously as a variant identified in the Exome Variant Server, however, neither clinical information nor association with MPS IVA were provided (Morrone et al., 2014; Exome Variant Server). The G396R variant is observed in 11/16422 (0.067%) alleles from individuals of South Asian background in large population cohorts (Lek et al., 2016; 1000 Genomes Consortium et al., 2015; Exome Variant Server). The G396R variant is a non-conservative amino acid substitution, which is likely to impact secondary protein structure as these residues differ in polarity, charge, size and/or other properties. This substitution occurs at a position that is conserved across species, and in silico analysis predicts this variant is probably damaging to the protein structure/function. Missense variants in nearby residues (L390P, M391V, A392V, T394P, L395V, L395P, H398D, H401Y) have been reported in the Human Gene Mutation Database in association with MPS IVa (Stenson et al., 2014), supporting the functional importance of this region of the protein. We interpret G396R as a variant of uncertain significance.